The following is an entry in ClinVar:

NM_020433.5(JPH2):c.1645C>T (p.Gln549Ter)

Gene: JPH2 (junctophilin 2; minus strand). Cytogenetic location: 20q13.12.
Variant type: single nucleotide variant.
Coding change: c.1645C>T on transcript NM_020433.5 (MANE Select); coding-DNA position 1645, C replaced by T.
Protein change: p.Gln549Ter; replaces glutamine 549 with a stop codon.
Molecular consequence: nonsense.
Genome position (GRCh38, 1-based): chr20:44,116,030, G>A on the plus strand (C>T on the coding strand, the complement: JPH2 is on the minus strand). VCF-style: chr20-44116030-G-A. GRCh37 (hg19) VCF-style: chr20-42744670-G-A.
Other names: short protein forms Q549*.
Identifiers: ClinVar variation 947259 (VCV000947259.8), dbSNP rs1260496472, ClinGen allele CA409100213.

ClinVar aggregate classification (germline): Uncertain significance. Review status: criteria provided, multiple submitters, no conflicts (2 of 4 stars). 2 submissions from 2 submitters: Uncertain significance (2). Last evaluated 2022-02-06.

Conditions:
Hypertrophic cardiomyopathy. Also called: HYPERTROPHIC MYOCARDIOPATHY. Identifiers: Orphanet 217569, MedGen C0007194, MeSH D002312, MONDO:0005045, HP:0001639.
Cardiomyopathy, dilated, 2E. Identifiers: MedGen C5561970, MONDO:0030366, OMIM 619492.
Hypertrophic cardiomyopathy 17. Identifiers: MedGen C3151264, MONDO:0013474, OMIM 613873.

Submissions (2):

Fulgent Genetics
Classification: Uncertain significance for Hypertrophic cardiomyopathy 17; Cardiomyopathy, dilated, 2E. Last evaluated: 2022-02-06. Review status: criteria provided, single submitter. Criteria: ACMG Guidelines, 2015. Collection method: clinical testing. Allele origin: unknown.

Labcorp Genetics (formerly Invitae), Labcorp
Classification: Uncertain significance for Hypertrophic cardiomyopathy. Last evaluated: 2019-05-08. Review status: criteria provided, single submitter. Criteria: Invitae Variant Classification Sherloc (09022015). Collection method: clinical testing. Allele origin: germline.
Comment: In summary, the available evidence is currently insufficient to determine the role of this variant in disease. Therefore, it has been classified as a Variant of Uncertain Significance. The current clinical and genetic evidence is not sufficient to establish whether loss-of-function variants in JPH2 cause disease. This variant has not been reported in the literature in individuals with JPH2-related conditions. This variant is not present in population databases (ExAC no frequency). This sequence change creates a premature translational stop signal (p.Gln549*) in the JPH2 gene. It is expected to result in an absent or disrupted protein product.